The following is an entry in ClinVar:

NM_032141.4(NSRP1):c.1048_1054dup (p.Arg352delinsLysSerTer)

Gene: NSRP1 (nuclear speckle splicing regulatory protein 1; plus strand). Cytogenetic location: 17q11.2.
Variant type: Duplication.
Coding change: c.1048_1054dup on transcript NM_032141.4 (MANE Select); coding-DNA positions 1048 to 1054, 7 bases duplicated (AGTCATA; older notation c.1048_1054dupAGTCATA).
Protein change: p.Arg352delinsLysSerTer.
Molecular consequence: nonsense.
Genome position (GRCh38, 1-based): chr17:30,185,045-30,185,051, AGTCATA duplicated. VCF-style (leftmost placement, unchanged base first): chr17-30185044-C-CAGTCATA. GRCh37 (hg19) VCF-style: chr17-28512062-C-CAGTCATA.
Other names: c.886_892dup, p.Arg298delinsLysSerTer (NM_001261467.2).
Identifiers: ClinVar variation 3775177 (VCV003775177.1).

ClinVar aggregate classification (germline): Likely pathogenic (1 of 4 stars; one submission).

Conditions:
Neurodevelopmental disorder with spasticity, seizures, and brain abnormalities (NEDSSBA). Identifiers: MedGen C5774197, MONDO:0859275, OMIM 620001.

Submission:

3billion
Classification: Likely pathogenic for Neurodevelopmental disorder with spasticity, seizures, and brain abnormalities. Last evaluated: 2023-08-05. Review status: criteria provided, single submitter. Criteria: ACMG Guidelines, 2015. Collection method: clinical testing. Allele origin: germline. Affected: yes.
Comment: The variant is observed at an extremely low frequency in the gnomAD v2.1.1 dataset (total allele frequency: 0.000%). Predicted Consequence/Location: Frameshift: predicted to result in a loss or disruption of normal protein function through protein truncation. Multiple pathogenic variants are reported in the predicted truncated region. Therefore, this variant is classified as Likely pathogenic according to the recommendation of ACMG/AMP guideline.